The following is an entry in ClinVar:

NM_000206.3(IL2RG):c.115+2T>C

Genes: IL2RG (interleukin 2 receptor subunit gamma; minus strand), LOC126863274 (MED14-independent group 3 enhancer GRCh37_chrX:70330888-70332087; plus strand). Cytogenetic location: Xq13.1.
Variant type: single nucleotide variant.
Coding change: c.115+2T>C on transcript NM_000206.3 (MANE Select); the canonical splice donor site of the intron after coding-DNA position 115, T replaced by C.
Molecular consequence: splice donor variant.
Genome position (GRCh38, 1-based): chrX:71,111,423, A>G on the plus strand (T>C on the coding strand, the complement: IL2RG is on the minus strand). VCF-style: chrX-71111423-A-G. GRCh37 (hg19) VCF-style: chrX-70331273-A-G.
Identifiers: ClinVar variation 1368945 (VCV001368945.8), dbSNP rs2147751760, ClinGen allele CA413497546.

ClinVar aggregate classification (germline): Pathogenic. Review status: reviewed by expert panel (3 of 4 stars). 3 submissions from 3 submitters: Pathogenic (1). 2 of the submissions do not count toward it. Last evaluated 2023-11-14.

Conditions:
X-linked severe combined immunodeficiency (SCIDX1). Also called: IMMUNODEFICIENCY 4; SCID, X-LINKED; SEVERE COMBINED IMMUNODEFICIENCY, X-LINKED, T CELL-NEGATIVE, B CELL-POSITIVE, NK CELL-NEGATIVE; T-B+ severe combined immunodeficiency due to gamma chain deficiency; X-Linked Combined Immunodeficiency Diseases. Identifiers: Orphanet 276, MedGen C6022468, MONDO:0010315, OMIM 300400. Disease mechanism: loss of function.

Submissions (3):

ClinGen Severe Combined Immunodeficiency Variant Curation Expert Panel, ClinGen
Classification: Pathogenic for X-linked severe combined immunodeficiency. Last evaluated: 2023-11-14. Review status: reviewed by expert panel. Criteria: ClinGen SCID ACMG Specifications IL2RG V1.0.0. Collection method: curation. Allele origin: germline. Inheritance: X-linked inheritance.
Comment: The c.115+2T>C (NM_000206.3) variant in IL2RG occurs within the canonical donor splice site in intron 1. It is expected to disrupt RNA splicing, disrupting the reading frame, and is predicted to undergo NMD. (PVS1). This variant is absent from gnomAD v2.1.1 (PM2_Supporting). At least one patient was found in the literature showing: XY male sex (0.5pts) + T-B+NK- lymphocyte subset profile (0.5pt), total 1 point, PP4_Supporting. (PMID: 9058718; Puck JM et al). In summary, this variant meets the criteria to be classified as Pathogenic for SCID based on the ACMG/AMP criteria applied: PVS1, PP4_Supporting, and PM2_Supporting, as specified by the ClinGen SCID VCEP specifications version 1.

Women's Health and Genetics/Laboratory Corporation of America, LabCorp
Classification: Pathogenic for X-linked severe combined immunodeficiency. Last evaluated: 2024-12-10. Review status: criteria provided, single submitter. Criteria: LabCorp Variant Classification Summary - May 2015. Collection method: clinical testing. Allele origin: germline. Not counted in ClinVar's aggregate classification.
Comment: Variant summary: IL2RG c.115+2T>C is located in a canonical splice-site and is predicted to affect mRNA splicing resulting in a significantly altered protein due to either exon skipping, shortening, or inclusion of intronic material. Variants that disrupt the consensus splice site are a relatively common cause of aberrant splicing and loss of IL2RG function. Several computational tools predict a significant impact on normal splicing: Three predict the variant abolishes a 5' splicing donor site. At least one publication reported experimental evidence that this variant affects mRNA splicing in patient derived samples (Puck_1997). The variant was absent in 182906 control chromosomes (gnomAD). c.115+2T>C has been reported in the literature in individuals affected with X-Linked Severe Combined Immunodeficiency (e.g. Puck_1997, Chan_2022). One of these publications also demonstrated the absence of protein product in patient derived samples (Puck_1997). The following publications have been ascertained in the context of this evaluation (PMID: 9058718, 35874699). ClinVar contains an entry for this variant (Variation ID: 1368945). Based on the evidence outlined above, the variant was classified as pathogenic.

Labcorp Genetics (formerly Invitae), Labcorp
Classification: Pathogenic for X-linked severe combined immunodeficiency. Last evaluated: 2022-08-15. Review status: criteria provided, single submitter. Criteria: Invitae Variant Classification Sherloc (09022015). Collection method: clinical testing. Allele origin: germline. Not counted in ClinVar's aggregate classification.
Comment: This sequence change affects a donor splice site in intron 1 of the IL2RG gene. It is expected to disrupt RNA splicing. Variants that disrupt the donor or acceptor splice site typically lead to a loss of protein function (PMID: 16199547), and loss-of-function variants in IL2RG are known to be pathogenic (PMID: 9058718, 10794430). This variant is not present in population databases (gnomAD no frequency). Disruption of this splice site has been observed in individuals with severe combined immunodeficiency (PMID: 9058718). This variant is also known as 129(+2). ClinVar contains an entry for this variant (Variation ID: 1368945). For these reasons, this variant has been classified as Pathogenic. Algorithms developed to predict the effect of sequence changes on RNA splicing suggest that this variant may disrupt the consensus splice site.

Literature cited by the submitters: PubMed 9058718 (cited by Women's Health and Genetics/Laboratory Corporation of America, LabCorp and Labcorp Genetics (formerly Invitae), Labcorp); PubMed 35874699 (cited by Women's Health and Genetics/Laboratory Corporation of America, LabCorp); PubMed 16199547 (cited by Labcorp Genetics (formerly Invitae), Labcorp); PubMed 10794430 (cited by Labcorp Genetics (formerly Invitae), Labcorp).